The following is an entry in ClinVar:

NM_001371727.1(GABRB2):c.1043C>A (p.Ala348Asp)

Gene: GABRB2 (gamma-aminobutyric acid type A receptor subunit beta2; minus strand). Cytogenetic location: 5q34.
Variant type: single nucleotide variant.
Coding change: c.1043C>A on transcript NM_001371727.1 (MANE Select); coding-DNA position 1043, C replaced by A.
Protein change: p.Ala348Asp; replaces alanine 348 with aspartic acid.
Molecular consequence: missense variant.
Genome position (GRCh38, 1-based): chr5:161,330,917, G>T on the plus strand (C>A on the coding strand, the complement: GABRB2 is on the minus strand). VCF-style: chr5-161330917-G-T. GRCh37 (hg19) VCF-style: chr5-160757924-G-T.
Other names: c.1043C>A, p.Ala348Asp (NM_000813.3, NM_021911.3); short protein forms A348D.
Identifiers: ClinVar variation 430415 (VCV000430415.4), dbSNP rs750967511, ClinGen allele CA3543441.

ClinVar aggregate classification (germline): Uncertain significance. Review status: criteria provided, multiple submitters, no conflicts (2 of 4 stars). 3 submissions from 3 submitters: Uncertain significance (3). Last evaluated 2022-05-05.

Conditions:
Developmental and epileptic encephalopathy 92. Also called: EPILEPTIC ENCEPHALOPATHY, INFANTILE OR EARLY CHILDHOOD, 2. Identifiers: MedGen C4693362, MONDO:0020631, OMIM 617829.

Allele frequency attached by ClinVar (database versions not stated): gnomAD exomes 0.00001; ExAC 0.00002.
gnomAD v4.1: 4 of 1,614,188 alleles (0.00025%); highest among the groups gnomAD compares: East Asian, 0.0089%; no homozygotes.

Submissions (3):

Department of Pathology and Laboratory Medicine, Sinai Health System
Classification: Uncertain significance for Developmental and epileptic encephalopathy 92. Last evaluated: 2022-05-05. Review status: criteria provided, single submitter. Criteria: ACMG Guidelines, 2015. Collection method: research. Allele origin: germline.

New York Genome Center
Classification: Uncertain significance for Developmental and epileptic encephalopathy 92. Last evaluated: 2021-07-30. Review status: criteria provided, single submitter. Criteria: NYGC Assertion Criteria 2020. Collection method: clinical testing. Allele origin: inherited. Observed: 1 heterozygote. Study: CSER-NYCKidSeq.

GeneDx
Classification: Uncertain significance. Last evaluated: 2017-05-26. Review status: criteria provided, single submitter. Criteria: GeneDx Variant Classification (06012015). Collection method: clinical testing. Allele origin: germline. Affected: yes.
Comment: A variant of uncertain significance has been identified in the GABRB2 gene. The A348D variant has not been published as a pathogenic variant, nor has it been reported as a benign variant to our knowledge. The A348D variant is observed in 2/8652 (0.02%) alleles from individuals of East Asian background (Lek et al., 2016; 1000 Genomes Consortium et al., 2015; Exome Variant Server). The A348D variant is a non-conservative amino acid substitution, which is likely to impact secondary protein structure as these residues differ in polarity, charge, size and/or other properties. This substitution occurs at a position that is conserved across species. In silico analysis is inconsistent in its predictions as to whether or not the variant is damaging to the protein structure/function. Based on the currently available information, it is unclear whether this variant is a pathogenic variant or a rare benign variant.